The following is an entry in ClinVar:

NM_001429.4(EP300):c.4632C>T (p.Asp1544=)

Gene: EP300 (EP300 lysine acetyltransferase; plus strand). Cytogenetic location: 22q13.2.
Variant type: single nucleotide variant.
Coding change: c.4632C>T on transcript NM_001429.4 (MANE Select); coding-DNA position 4632, C replaced by T.
Protein change: p.Asp1544=; no amino-acid change (aspartic acid 1544 retained).
Molecular consequence: synonymous variant.
Genome position (GRCh38, 1-based): chr22:41,173,637, C>T. VCF-style: chr22-41173637-C-T. GRCh37 (hg19) VCF-style: chr22-41569641-C-T.
Other names: c.4554C>T, p.Asp1518= (NM_001362843.2).
Identifiers: ClinVar variation 4998060 (VCV004998060.1).

ClinVar aggregate classification (germline): Likely benign (1 of 4 stars; one submission).

Conditions:
EP300-related disorder. Also called: EP300-related condition; EP300-related disorders.

Submission:

PreventionGenetics, part of Exact Sciences
Classification: Likely benign for EP300-related condition. Last evaluated: 2025-01-15. Review status: criteria provided, single submitter. Criteria: ACMG Guidelines, 2015. Collection method: clinical testing. Allele origin: germline.
Comment: This variant is classified as likely benign based on ACMG/AMP sequence variant interpretation guidelines (Richards et al. 2015 PMID: 25741868, with internal and published modifications).